The following is an entry in ClinVar:

ClinVar aggregate classification (germline): Pathogenic (1 of 4 stars; one submission).

Conditions:
Cardiac anomalies - developmental delay - facial dysmorphism syndrome (MRFACD). Also called: MED13L Syndrome; Impaired intellectual development and distinctive facial features with or without cardiac defects. Identifiers: Orphanet 369891, MedGen C5192431, MONDO:0014773, OMIM 616789.

Submission:

GeneDx
Classification: Pathogenic. Last evaluated: 2017-01-13. Review status: criteria provided, single submitter. Criteria: GeneDx Variant Classification (06012015). Collection method: clinical testing. Allele origin: germline. Affected: yes.
Comment: The c.4716delT variant in the MED13L gene has not been reported previously as a pathogenic variant nor as a benign variant, to our knowledge. The c.4716delT variant causes a frameshift starting with codon Proline 1573, changes this amino acid to a Leucine residue, and creates a premature Stop codon at position 27 of the new reading frame, denoted p.Pro1573LeufsX27. This variant is predicted to cause loss of normal protein function either through protein truncation or nonsense-mediated mRNA decay. The c.4716delT variant was not observed in approximately 6,500 individuals of European and African American ancestry in the NHLBI Exome Sequencing Project, indicating it is not a common benign variant in these populations. We interpret c.4716delT as a pathogenic variant.

NM_015335.5(MED13L):c.4716del (p.Pro1573fs)

Gene: MED13L (mediator complex subunit 13L; minus strand). Cytogenetic location: 12q24.21.
Variant type: Deletion.
Coding change: c.4716del on transcript NM_015335.5 (MANE Select); coding-DNA position 4716, one base deleted (T; older notation c.4716delT).
Protein change: p.Pro1573fs; shifts the reading frame from proline 1573.
Molecular consequence: frameshift variant.
Genome position (GRCh38, 1-based): chr12:115,983,356, A deleted on the plus strand (T on the coding strand, the reverse complement: MED13L is on the minus strand). VCF-style (leftmost placement, unchanged base first): chr12-115983355-GA-G. GRCh37 (hg19) VCF-style: chr12-116421160-GA-G.
Other names: c.4716delT (NM_015335.4); short protein forms P1573fs.
Identifiers: ClinVar variation 422943 (VCV000422943.4), dbSNP rs1064796113, ClinGen allele CA16619441.